The following is an entry in ClinVar:

NM_007194.4(CHEK2):c.524dup (p.Gly176fs)

Gene: CHEK2 (checkpoint kinase 2; minus strand). Cytogenetic location: 22q12.1.
Variant type: Duplication.
Coding change: c.524dup on transcript NM_007194.4 (MANE Select); coding-DNA position 524, one base duplicated (T; older notation c.524dupT).
Protein change: p.Gly176fs; shifts the reading frame from glycine 176.
Molecular consequence: frameshift variant. On other transcripts: 5 prime UTR variant (2), intron variant (1).
Genome position (GRCh38, 1-based): chr22:28,725,045, A duplicated on the plus strand (T on the coding strand, the reverse complement: CHEK2 is on the minus strand). VCF-style (leftmost placement, unchanged base first): chr22-28725044-T-TA. GRCh37 (hg19) VCF-style: chr22-29121032-T-TA.
Other names: c.653dup, p.Gly219fs (NM_001005735.3, NM_001438294.1); c.-254dup (NM_001257387.3); c.-140dup (NM_001437942.1); c.617dup, p.Gly207fs (NM_001438293.1, NM_001438295.1); c.524dup, p.Gly176fs (NM_145862.3); c.445-122dup (NM_001349956.3); short protein forms G176fs, G219fs, G207fs.
Identifiers: ClinVar variation 128080 (VCV000128080.17), dbSNP rs587780184, ClinGen allele CA288317.
Genomic context (GRCh38, chr22:28,725,044, plus strand): 5'-TCTGCTTAGTGACAGTGCAATTTCAGAATTGTTATTCAAAGGACGGCGTTTTCCTTTCCC[T>TA]ACAAGCTCTGTATTTACAAAGGTTCCATTGCCACTGTGATCTTCTATGTATGCAATGTAA-3'

ClinVar aggregate classification (germline): Pathogenic. Review status: criteria provided, multiple submitters, no conflicts (2 of 4 stars). 5 submissions from 5 submitters: Pathogenic (5). Last evaluated 2025-02-26.

Conditions:
Hereditary cancer-predisposing syndrome. Also called: Hereditary neoplastic syndrome; Neoplastic Syndromes, Hereditary; Hereditary Cancer Syndrome; Tumor predisposition. Identifiers: Orphanet 140162, MedGen C0027672, MeSH D009386, MONDO:0015356.
Familial cancer of breast. Also called: Hereditary breast cancer; BREAST CANCER, FAMILIAL; hereditary breast carcinoma. Identifiers: Orphanet 227535, MedGen C0346153, MONDO:0016419, OMIM 114480. Disease mechanism: loss of function.

Allele frequency attached by ClinVar (database versions not stated): gnomAD exomes below 0.00001; TOPMed below 0.00001; ExAC 0.00001; ESP Exome Variant Server 0.00008.

Submissions (5):

Labcorp Genetics (formerly Invitae), Labcorp
Classification: Pathogenic for Familial cancer of breast. Last evaluated: 2025-02-26. Review status: criteria provided, single submitter. Criteria: Invitae Variant Classification Sherloc (09022015). Collection method: clinical testing. Allele origin: germline.
Comment: This sequence change creates a premature translational stop signal (p.Gly176Argfs*10) in the CHEK2 gene. It is expected to result in an absent or disrupted protein product. Loss-of-function variants in CHEK2 are known to be pathogenic (PMID: 21876083, 24713400). This variant is not present in population databases (gnomAD no frequency). This premature translational stop signal has been observed in individual(s) with clinical features of CHEK2-related conditions (PMID: 26681312). ClinVar contains an entry for this variant (Variation ID: 128080). RNA analysis performed to evaluate the impact of this premature translational stop signal on mRNA splicing indicates it does not significantly alter splicing (internal data). For these reasons, this variant has been classified as Pathogenic.

Ambry Genetics
Classification: Pathogenic for Hereditary cancer-predisposing syndrome. Last evaluated: 2023-09-27. Review status: criteria provided, single submitter. Criteria: Ambry Variant Classification Scheme 2023. Collection method: clinical testing. Allele origin: germline.
Comment: The c.524dupT pathogenic mutation, located in coding exon 3 of the CHEK2 gene, results from a duplication of T at nucleotide position 524, causing a translational frameshift with a predicted alternate stop codon (p.G176Rfs*10). This alteration was identified in 1/10030 consecutive patients referred for evaluation by an NGS hereditary cancer panel (Susswein LR et al. Genet. Med., 2016 08;18:823-32). One study detected this mutation in 0/3030 pancreatic cancer cases and 1/53105 population controls (Hu C et al. JAMA, 2018 06;319:2401-2409). In addition to the clinical data presented in the literature, this alteration is expected to result in loss of function by premature protein truncation or nonsense-mediated mRNA decay. As such, this alteration is interpreted as a disease-causing mutation.

Baylor Genetics
Classification: Pathogenic for Familial cancer of breast. Last evaluated: 2023-08-23. Review status: criteria provided, single submitter. Criteria: ACMG Guidelines, 2015. Collection method: clinical testing. Allele origin: unknown.

Myriad Genetics, Inc.
Classification: Pathogenic for Familial cancer of breast. Last evaluated: 2023-06-26. Review status: criteria provided, single submitter. Criteria: Myriad Autosomal Dominant, Autosomal Recessive and X-Linked Classification Criteria (2023). Collection method: clinical testing. Allele origin: unknown.
Comment: This variant is considered pathogenic. This variant creates a frameshift predicted to result in premature protein truncation.

GeneDx
Classification: Pathogenic. Last evaluated: 2017-10-23. Review status: criteria provided, single submitter. Criteria: GeneDx Variant Classification (06012015). Collection method: clinical testing. Allele origin: germline. Affected: yes.
Comment: This duplication of one nucleotide in CHEK2 is denoted c.524dupT at the cDNA level and p.Gly176ArgfsX10 (G176RfsX10) at the protein level. The normal sequence, with the base that is duplicated in brackets, is CTTG[dupT]AGGG. The duplication causes a frameshift, which changes a Glycine to an Arginine at codon 176, and creates a premature stop codon at position 10 of the new reading frame. This variant is predicted to cause loss of normal protein function through either protein truncation or nonsense-mediated mRNA decay. This variant was observed in one individual with cancer of the appendix referred for clinical testing for inherited cancer (Susswein 2015). We consider this variant to be pathogenic.

Literature cited by the submitters: PubMed 21876083 (cited by Labcorp Genetics (formerly Invitae), Labcorp); PubMed 24713400 (cited by Labcorp Genetics (formerly Invitae), Labcorp); PubMed 26681312 (cited by Labcorp Genetics (formerly Invitae), Labcorp and Ambry Genetics); PubMed 29922827 (cited by Ambry Genetics).